The following is an entry in ClinVar:

ClinVar aggregate classification (germline): Pathogenic (1 of 4 stars; one submission).

Submission:

GeneDx
Classification: Pathogenic. Last evaluated: 2026-07-31. Review status: criteria provided, single submitter. Criteria: GeneDx Variant Classification Process June 2021. Collection method: clinical testing. Allele origin: germline.
Comment: Not observed at significant frequency in large population cohorts (gnomAD); In silico analysis supports that this missense variant has a deleterious effect on protein structure/function; Has not been previously published as pathogenic or benign to our knowledge

NM_004606.5(TAF1):c.3095C>T (p.Thr1032Ile)

Gene: TAF1 (TATA-box binding protein associated factor 1; plus strand). Cytogenetic location: Xq13.1.
Variant type: single nucleotide variant.
Coding change: c.3095C>T on transcript NM_004606.5 (MANE Select); coding-DNA position 3095, C replaced by T.
Protein change: p.Thr1032Ile; replaces threonine 1032 with isoleucine.
Molecular consequence: missense variant. On other transcripts: non-coding transcript variant (9).
Genome position (GRCh38, 1-based): chrX:71,393,344, C>T. VCF-style: chrX-71393344-C-T. GRCh37 (hg19) VCF-style: chrX-70613194-C-T.
Other names: c.3095C>T, p.Thr1032Ile (NM_001286074.2); c.3032C>T, p.Thr1011Ile (NM_138923.4); short protein forms T1011I, T1032I.
Identifiers: ClinVar variation 1683951 (VCV001683951.4), dbSNP rs2148378327, ClinGen allele CA413526198.